The following is an entry in ClinVar:

NM_000282.4(PCCA):c.1423A>T (p.Ile475Phe)

Gene: PCCA (propionyl-CoA carboxylase subunit alpha; plus strand). Cytogenetic location: 13q32.3.
Variant type: single nucleotide variant.
Coding change: c.1423A>T on transcript NM_000282.4 (MANE Select); coding-DNA position 1423, A replaced by T.
Protein change: p.Ile475Phe; replaces isoleucine 475 with phenylalanine.
Molecular consequence: missense variant. On other transcripts: non-coding transcript variant (5).
Genome position (GRCh38, 1-based): chr13:100,309,902, A>T. VCF-style: chr13-100309902-A-T. GRCh37 (hg19) VCF-style: chr13-100962156-A-T.
Other names: c.1345A>T, p.Ile449Phe (NM_001127692.3, NM_001352607.2); c.1423A>T, p.Ile475Phe (NM_001178004.2, NM_001352605.2, NM_001352609.2); c.1279A>T, p.Ile427Phe (NM_001352606.2); c.1201A>T, p.Ile401Phe (NM_001352608.2); c.478A>T, p.Ile160Phe (NM_001352610.2, NM_001352611.2); c.334A>T, p.Ile112Phe (NM_001352612.2); c.1423A>T (NM_000282.3); short protein forms I160F, I401F, I427F, I112F, I449F, I475F.
Identifiers: ClinVar variation 1350911 (VCV001350911.5), dbSNP rs35719359, ClinGen allele CA388695890.
Genomic context (GRCh38, chr13:100,309,902, plus strand): 5'-TATGGCTCTGATAGAACTGAGGCACTGAAGAGAATGGCAGATGCACTGGATAACTATGTT[A>T]TTCGAGGTAAAAACAAAGATTTGCACTCGTTGGTTATTGTATATGGTGTCCAGTTCCAGA-3'
Protein context (NP_000273.2, residues 465-485): RMADALDNYV[Ile475Phe]RGVTHNIALL

ClinVar aggregate classification (germline): Uncertain significance. Review status: criteria provided, single submitter (1 of 4 stars). 2 submissions from 2 submitters: Uncertain significance (1). 1 of the submissions does not count toward it. Last evaluated 2021-09-26.

Conditions:
Propionic acidemia (PROP). Also called: KETOTIC HYPERGLYCINEMIA; GLYCINEMIA, KETOTIC; HYPERGLYCINEMIA WITH KETOACIDOSIS AND LEUKOPENIA. Identifiers: Orphanet 35, MedGen C0268579, MONDO:0011628, OMIM 606054, HP:0003571.

gnomAD v4.1: 2 of 1,609,830 alleles (0.00012%); highest among the groups gnomAD compares: Non-Finnish European, 0.00017%; no homozygotes.

Submissions (2):

Labcorp Genetics (formerly Invitae), Labcorp
Classification: Uncertain significance for Propionic acidemia. Last evaluated: 2021-09-26. Review status: criteria provided, single submitter. Criteria: Invitae Variant Classification Sherloc (09022015). Collection method: clinical testing. Allele origin: germline.
Comment: In summary, the available evidence is currently insufficient to determine the role of this variant in disease. Therefore, it has been classified as a Variant of Uncertain Significance. Advanced modeling of protein sequence and biophysical properties (such as structural, functional, and spatial information, amino acid conservation, physicochemical variation, residue mobility, and thermodynamic stability) performed at Invitae indicates that this missense variant is expected to disrupt PCCA protein function. This variant has not been reported in the literature in individuals affected with PCCA-related conditions. This variant is not present in population databases (ExAC no frequency). This sequence change replaces isoleucine with phenylalanine at codon 475 of the PCCA protein (p.Ile475Phe). The isoleucine residue is highly conserved and there is a small physicochemical difference between isoleucine and phenylalanine.

Natera, Inc.
Classification: Uncertain significance for Propionic acidemia. Last evaluated: 2025-04-10. Review status: no assertion criteria provided. Collection method: clinical testing. Allele origin: germline. Not counted in ClinVar's aggregate classification.